The following is an entry in ClinVar:

NM_022788.5(P2RY12):c.361G>A (p.Asp121Asn)

Genes: MED12L (mediator complex subunit 12L; plus strand), P2RY12 (purinergic receptor P2Y12; minus strand). Cytogenetic location: 3q25.1.
Variant type: single nucleotide variant.
Coding change: c.361G>A on transcript NM_022788.5 (MANE Select); coding-DNA position 361, G replaced by A.
Protein change: p.Asp121Asn; replaces aspartic acid 121 with asparagine.
Molecular consequence: missense variant. On other transcripts: intron variant (2).
Genome position (GRCh38, 1-based): chr3:151,338,485, C>T on the plus strand (G>A on the coding strand, the complement: P2RY12 is on the minus strand). VCF-style: chr3-151338485-C-T. GRCh37 (hg19) VCF-style: chr3-151056273-C-T.
Other names: c.361G>A, p.Asp121Asn (NM_176876.3); c.2251-11574C>T (NM_001393769.1); c.2146-11574C>T (NM_053002.6); short protein forms D121N.
Identifiers: ClinVar variation 2071651 (VCV002071651.5), dbSNP rs370954402, ClinGen allele CA2667872.

ClinVar aggregate classification (germline): Uncertain significance. Review status: criteria provided, multiple submitters, no conflicts (2 of 4 stars). 2 submissions from 2 submitters: Uncertain significance (2). Last evaluated 2025-03-27.

Allele frequency attached by ClinVar (database versions not stated): gnomAD exomes 0.00001; ExAC 0.00002; ESP Exome Variant Server 0.00008; gnomAD 0.00013; TOPMed 0.00014.
gnomAD v4.1: 34 of 1,613,356 alleles (0.0021%); highest among the groups gnomAD compares: African/African-American, 0.036%; no homozygotes.

Submissions (2):

Labcorp Genetics (formerly Invitae), Labcorp
Classification: Uncertain significance. Last evaluated: 2025-03-27. Review status: criteria provided, single submitter. Criteria: Invitae Variant Classification Sherloc (09022015). Collection method: clinical testing. Allele origin: germline.
Comment: This sequence change replaces aspartic acid, which is acidic and polar, with asparagine, which is neutral and polar, at codon 121 of the P2RY12 protein (p.Asp121Asn). This variant is present in population databases (rs370954402, gnomAD 0.04%). This variant has not been reported in the literature in individuals affected with P2RY12-related conditions. ClinVar contains an entry for this variant (Variation ID: 2071651). An algorithm developed to predict the effect of missense changes on protein structure and function (PolyPhen-2) suggests that this variant is likely to be disruptive. In summary, the available evidence is currently insufficient to determine the role of this variant in disease. Therefore, it has been classified as a Variant of Uncertain Significance.

Blueprint Genetics
Classification: Uncertain significance. Last evaluated: 2022-10-27. Review status: criteria provided, single submitter. Criteria: ACMG Guidelines, 2015. Collection method: clinical testing. Allele origin: germline.